The following is an entry in ClinVar:

ClinVar aggregate classification (germline): Pathogenic. Review status: criteria provided, multiple submitters, no conflicts (2 of 4 stars). 4 submissions from 4 submitters: Pathogenic (3). 1 of the submissions does not count toward it. Last evaluated 2024-05-27.

Conditions:
Hereditary cancer-predisposing syndrome. Also called: Tumor predisposition; Hereditary neoplastic syndrome; Neoplastic Syndromes, Hereditary; Hereditary Cancer Syndrome. Identifiers: Orphanet 140162, MedGen C0027672, MeSH D009386, MONDO:0015356.
Breast-ovarian cancer, familial, susceptibility to, 2 (BROVCA2). Also called: BRCA2 Hereditary Breast and Ovarian Cancer. Identifiers: Orphanet 145, MedGen C2675520, MONDO:0012933, OMIM 612555. Disease mechanism: loss of function.

Submissions (4):

Department of Clinical Genetics, Copenhagen University Hospital, Rigshospitalet
Classification: Pathogenic for Breast-ovarian cancer, familial, susceptibility to, 2. Last evaluated: 2024-05-27. Review status: criteria provided, single submitter. Criteria: ACMG Guidelines, 2015. Collection method: clinical testing. Allele origin: germline. Affected: yes.
Comment: PVS1; PM2_supporting; PM5_PTC_Strong

Ambry Genetics
Classification: Pathogenic for Hereditary cancer-predisposing syndrome. Last evaluated: 2021-03-29. Review status: criteria provided, single submitter. Criteria: Ambry Variant Classification Scheme 2023. Collection method: clinical testing. Allele origin: germline.
Comment: The c.2886dupT pathogenic mutation, located in coding exon 10 of the BRCA2 gene, results from a duplication of T at nucleotide position 2886, causing a translational frameshift with a predicted alternate stop codon (p.I963Yfs*19). This alteration has been reported in a cohort of 335 triple-negative breast cancer patients in Poland (Wong-Brown MW et al. Breast Cancer Res Treat, 2015 Feb;150:71-80). This alteration is expected to result in loss of function by premature protein truncation or nonsense-mediated mRNA decay. As such, this alteration is interpreted as a disease-causing mutation.

Color Diagnostics, LLC DBA Color Health
Classification: Pathogenic for Hereditary cancer-predisposing syndrome. Last evaluated: 2019-12-20. Review status: criteria provided, single submitter. Criteria: ACMG Guidelines, 2015. Collection method: clinical testing. Allele origin: germline.
Comment: This variant inserts 1 nucleotide in exon 11 of the BRCA2 gene, creating a frameshift and premature translation stop signal. This variant is expected to result in an absent or non-functional protein product. Splice site prediction tools suggest that this variant may not impact RNA splicing. To our knowledge, functional studies have not been performed for this variant. This variant has been reported in 1 individual affected with breast cancer (PMID: 25682074). This variant has not been identified in the general population by the Genome Aggregation Database (gnomAD). Loss of BRCA2 function is a known mechanism of disease. Based on the available evidence, this variant is classified as Pathogenic.

Department of Pathology and Laboratory Medicine, Sinai Health System
Classification: Pathogenic. Review status: no assertion criteria provided. Collection method: clinical testing. Allele origin: unknown. Affected: yes. Observed: 1 variant allele. Study: The Canadian Open Genetics Repository (COGR). Not counted in ClinVar's aggregate classification.
Comment: The BRCA2 p.Ile963Tyrfsx19 variant was identified in 1 of 1548 proband chromosomes (frequency: 0.0006) from Polish and Australian individuals or families with triple negative breast cancer unselected for family history (Wong-Brown 2015 ). The variant was also identified in UMD-LSDB (1x as 5-causal) and was not identified in the following databases: dbSNP, ClinVar, ClinVar, COGR, Cosmic, LOVD 3.0, BIC Database, ARUP Laboratories, Zhejiang Colon Cancer Database, the 1000 Genomes Project, the NHLBI GO Exome Sequencing Project or the Exome Aggregation Consortium (August 8th 2016). The c.2886dup variant is predicted to cause a frameshift, which alters the protein's amino acid sequence beginning at codon 963 and leads to a premature stop codon 19 codons downstream. This alteration is then predicted to result in a truncated or absent protein and loss of function. Loss of function variants of the BRCA2 gene are an established mechanism of disease in in hereditary breast and ovarian cancer and is the type of variant expected to cause the disorder. In summary, based on the above information this variant meets our laboratoryâ€šÃ„Ã´s criteria to be classified as pathogenic.

Literature cited by the submitters: PubMed 25682074 (cited by Ambry Genetics).

NM_000059.4(BRCA2):c.2886dup (p.Ile963fs)

Gene: BRCA2 (BRCA2 DNA repair associated; plus strand). Cytogenetic location: 13q13.1.
Variant type: Duplication.
Coding change: c.2886dup on transcript NM_000059.4 (MANE Select); coding-DNA position 2886, one base duplicated (T; older notation c.2886dupT).
Protein change: p.Ile963fs; shifts the reading frame from isoleucine 963.
Molecular consequence: frameshift variant.
Genome position (GRCh38, 1-based): chr13:32,337,241, T duplicated. VCF-style (leftmost placement, unchanged base first): chr13-32337240-A-AT. GRCh37 (hg19) VCF-style: chr13-32911377-A-AT.
Other names: c.2886dupT (NM_000059.3); short protein forms I963fs.
Identifiers: ClinVar variation 926370 (VCV000926370.7), dbSNP rs2072467270, ClinGen allele CA891842153.